The following is an entry in ClinVar:

ClinVar aggregate classification (germline): Uncertain significance. Review status: criteria provided, multiple submitters, no conflicts (2 of 4 stars). 2 submissions from 2 submitters: Uncertain significance (2). Last evaluated 2025-01-21.

Conditions:
Inborn genetic diseases. Identifiers: MedGen C0950123, MeSH D030342.

Allele frequency attached by ClinVar (database versions not stated): gnomAD exomes below 0.00001; TOPMed 0.00001.
gnomAD v4.1: 2 of 1,613,704 alleles (0.00012%); highest among the groups gnomAD compares: Non-Finnish European, 0.000085%; no homozygotes.

Submissions (2):

Ambry Genetics
Classification: Uncertain significance for Inborn genetic diseases. Last evaluated: 2025-01-21. Review status: criteria provided, single submitter. Criteria: Ambry Variant Classification Scheme 2023. Collection method: clinical testing. Allele origin: germline.

Labcorp Genetics (formerly Invitae), Labcorp
Classification: Uncertain significance. Last evaluated: 2021-09-01. Review status: criteria provided, single submitter. Criteria: Invitae Variant Classification Sherloc (09022015). Collection method: clinical testing. Allele origin: germline.
Comment: This sequence change replaces arginine with lysine at codon 3475 of the USH2A protein (p.Arg3475Lys). The arginine residue is highly conserved and there is a small physicochemical difference between arginine and lysine. This variant is not present in population databases (ExAC no frequency). This variant has not been reported in the literature in individuals affected with USH2A-related conditions. Algorithms developed to predict the effect of missense changes on protein structure and function are either unavailable or do not agree on the potential impact of this missense change (SIFT: "Deleterious"; PolyPhen-2: "Benign"; Align-GVGD: "Class C25"). In summary, the available evidence is currently insufficient to determine the role of this variant in disease. Therefore, it has been classified as a Variant of Uncertain Significance.

NM_206933.4(USH2A):c.10424G>A (p.Arg3475Lys)

Gene: USH2A (usherin; minus strand). Cytogenetic location: 1q41.
Variant type: single nucleotide variant.
Coding change: c.10424G>A on transcript NM_206933.4 (MANE Select); coding-DNA position 10424, G replaced by A.
Protein change: p.Arg3475Lys; replaces arginine 3475 with lysine.
Molecular consequence: missense variant.
Genome position (GRCh38, 1-based): chr1:215,782,899, C>T on the plus strand (G>A on the coding strand, the complement: USH2A is on the minus strand). VCF-style: chr1-215782899-C-T. GRCh37 (hg19) VCF-style: chr1-215956241-C-T.
Other names: short protein forms R3475K.
Identifiers: ClinVar variation 852357 (VCV000852357.8), dbSNP rs1661684078, ClinGen allele CA344838073.